The following is an entry in ClinVar:

NM_000179.3(MSH6):c.1806A>G (p.Ser602=)

Gene: MSH6 (mutS homolog 6; plus strand). Cytogenetic location: 2p16.3.
Variant type: single nucleotide variant.
Coding change: c.1806A>G on transcript NM_000179.3 (MANE Select); coding-DNA position 1806, A replaced by G.
Protein change: p.Ser602=; no amino-acid change (serine 602 retained).
Molecular consequence: synonymous variant.
Genome position (GRCh38, 1-based): chr2:47,799,789, A>G. VCF-style: chr2-47799789-A-G. GRCh37 (hg19) VCF-style: chr2-48026928-A-G.
Other names: c.1416A>G, p.Ser472= (NM_001281492.2); c.900A>G, p.Ser300= (NM_001281493.2, NM_001281494.2).
Identifiers: ClinVar variation 560768 (VCV000560768.8), dbSNP rs1057520981, ClinGen allele CA426121161.

ClinVar aggregate classification (germline): Benign/Likely benign. Review status: criteria provided, multiple submitters, no conflicts (2 of 4 stars). 5 submissions from 5 submitters: Benign (1); Likely benign (4). Last evaluated 2025-04-21.

Conditions:
Hereditary nonpolyposis colorectal neoplasms. Identifiers: MedGen C0009405, MeSH D003123.
Hereditary cancer-predisposing syndrome. Also called: Hereditary neoplastic syndrome; Neoplastic Syndromes, Hereditary; Tumor predisposition; Hereditary Cancer Syndrome. Identifiers: Orphanet 140162, MedGen C0027672, MeSH D009386, MONDO:0015356.
Lynch syndrome 5 (LYNCH5). Also called: Hereditary non-polyposis colorectal cancer, type 5; Colorectal cancer, hereditary nonpolyposis, type 5. Identifiers: Orphanet 144, MedGen C1833477, MONDO:0013710, OMIM 614350. Disease mechanism: loss of function.

Submissions (5):

Labcorp Genetics (formerly Invitae), Labcorp
Classification: Likely benign for Hereditary nonpolyposis colorectal neoplasms. Last evaluated: 2025-04-21. Review status: criteria provided, single submitter. Criteria: Invitae Variant Classification Sherloc (09022015). Collection method: clinical testing. Allele origin: germline.

Myriad Genetics, Inc.
Classification: Benign for Lynch syndrome 5. Last evaluated: 2024-12-27. Review status: criteria provided, single submitter. Criteria: Myriad Autosomal Dominant, Autosomal Recessive and X-Linked Classification Criteria (2023). Collection method: clinical testing. Allele origin: unknown.
Comment: This variant is considered benign. This variant is a silent/synonymous amino acid change and it is not expected to impact splicing.

Ambry Genetics
Classification: Likely benign for Hereditary cancer-predisposing syndrome. Last evaluated: 2023-11-14. Review status: criteria provided, single submitter. Criteria: Ambry Variant Classification Scheme 2023. Collection method: clinical testing. Allele origin: germline.

Institute for Biomarker Research, Medical Diagnostic Laboratories, L.L.C.
Classification: Likely benign for Hereditary cancer-predisposing syndrome. Last evaluated: 2023-04-11. Review status: criteria provided, single submitter. Criteria: ACMG Guidelines, 2015. Collection method: clinical testing. Allele origin: germline.

PreventionGenetics, part of Exact Sciences
Classification: Likely benign. Last evaluated: 2017-09-08. Review status: criteria provided, single submitter. Criteria: ACMG Guidelines, 2015. Collection method: clinical testing. Allele origin: germline.